The following is an entry in ClinVar:

NM_001130144.3(LTBP3):c.52G>A (p.Ala18Thr)

Gene: LTBP3 (latent transforming growth factor beta binding protein 3; minus strand). Cytogenetic location: 11q13.1.
Variant type: single nucleotide variant.
Coding change: c.52G>A on transcript NM_001130144.3 (MANE Select); coding-DNA position 52, G replaced by A.
Protein change: p.Ala18Thr; replaces alanine 18 with threonine.
Molecular consequence: missense variant. On other transcripts: 5 prime UTR variant (1).
Genome position (GRCh38, 1-based): chr11:65,557,908, C>T on the plus strand (G>A on the coding strand, the complement: LTBP3 is on the minus strand). VCF-style: chr11-65557908-C-T. GRCh37 (hg19) VCF-style: chr11-65325379-C-T.
Other names: c.-296G>A (NM_001164266.1); c.52G>A, p.Ala18Thr (NM_021070.4); short protein forms A18T.
Identifiers: ClinVar variation 3541067 (VCV003541067.1).

ClinVar aggregate classification (germline): Uncertain significance (1 of 4 stars; one submission).

Conditions:
Inborn genetic diseases. Identifiers: MedGen C0950123, MeSH D030342.

Submission:

Ambry Genetics
Classification: Uncertain significance for Inborn genetic diseases. Last evaluated: 2024-07-07. Review status: criteria provided, single submitter. Criteria: Ambry Variant Classification Scheme 2023. Collection method: clinical testing. Allele origin: germline.
Comment: The p.A18T variant (also known as c.52G>A), located in coding exon 1 of the LTBP3 gene, results from a G to A substitution at nucleotide position 52. The alanine at codon 18 is replaced by threonine, an amino acid with similar properties. This amino acid position is conserved. In addition, this alteration is predicted to be tolerated by in silico analysis. Based on the available evidence, the clinical significance of this variant remains unclear.